The following is an entry in ClinVar:

NM_004606.5(TAF1):c.382T>A (p.Cys128Ser)

Gene: TAF1 (TATA-box binding protein associated factor 1; plus strand). Cytogenetic location: Xq13.1.
Variant type: single nucleotide variant.
Coding change: c.382T>A on transcript NM_004606.5 (MANE Select); coding-DNA position 382, T replaced by A.
Protein change: p.Cys128Ser; replaces cysteine 128 with serine.
Molecular consequence: missense variant. On other transcripts: non-coding transcript variant (9).
Genome position (GRCh38, 1-based): chrX:71,375,196, T>A. VCF-style: chrX-71375196-T-A. GRCh37 (hg19) VCF-style: chrX-70595046-T-A.
Other names: c.382T>A, p.Cys128Ser (NM_001286074.2, NM_138923.4); short protein forms C128S.
Identifiers: ClinVar variation 1710577 (VCV001710577.2), dbSNP rs2520096098, ClinGen allele CA413503504.

ClinVar aggregate classification (germline): Uncertain significance (1 of 4 stars; one submission).

Submission:

GeneDx
Classification: Uncertain significance. Last evaluated: 2022-04-12. Review status: criteria provided, single submitter. Criteria: GeneDx Variant Classification Process June 2021. Collection method: clinical testing. Allele origin: germline. Affected: yes.
Comment: Not observed at significant frequency in large population cohorts (gnomAD); In silico analysis supports that this missense variant does not alter protein structure/function; Has not been previously published as pathogenic or benign to our knowledge